The following is an entry in ClinVar:

ClinVar aggregate classification (germline): Likely benign (1 of 4 stars; one submission).

Conditions:
Kabuki syndrome 1 (KABUK1). Also called: KMT2D-Related Kabuki Syndrome. Identifiers: Orphanet 2322, MedGen CN030661, MONDO:0007843, OMIM 147920.

Submission:

Tartaglia Lab, Genetics and Rare Diseases Research Division, Bambino Gesu' Children's Hospital
Classification: Likely benign for Kabuki syndrome 1. Last evaluated: 2023-12-31. Review status: criteria provided, single submitter. Criteria: ACMG Guidelines, 2015. Collection method: research. Allele origin: paternal. Affected: yes.
Comment: The variant was functionally validated by DNA methylayion profiling using a previously reported Kabuki syndrome-specific episignature (PMID: 32109418)

NM_003482.4(KMT2D):c.701G>A (p.Gly234Glu)

Gene: KMT2D (lysine methyltransferase 2D; minus strand). Cytogenetic location: 12q13.12.
Variant type: single nucleotide variant.
Coding change: c.701G>A on transcript NM_003482.4 (MANE Select); coding-DNA position 701, G replaced by A.
Protein change: p.Gly234Glu; replaces glycine 234 with glutamic acid.
Molecular consequence: missense variant.
Genome position (GRCh38, 1-based): chr12:49,053,614, C>T on the plus strand (G>A on the coding strand, the complement: KMT2D is on the minus strand). VCF-style: chr12-49053614-C-T. GRCh37 (hg19) VCF-style: chr12-49447397-C-T.
Other names: short protein forms G234E.
Identifiers: ClinVar variation 2687904 (VCV002687904.1), dbSNP rs2120698949.